The following is an entry in ClinVar:

NC_000007.14:g.30963808C>T

Gene: GHRHR (growth hormone releasing hormone receptor; plus strand). Cytogenetic location: 7p14.3.
Variant type: single nucleotide variant.
Genome position: GRCh38 VCF-style: chr7-30963808-C-T. GRCh37 (hg19) VCF-style: chr7-31003423-C-T.
Identifiers: ClinVar variation 1258935 (VCV001258935.3), dbSNP rs2302019, ClinGen allele CA15509650.

ClinVar aggregate classification (germline): Benign (1 of 4 stars; one submission).

Allele frequency attached by ClinVar (database versions not stated): gnomAD 0.54588 and 0.55122; TOPMed 0.56064; 1000 Genomes Project 0.58107; 1000 Genomes Project 30x 0.58885.

Submission:

GeneDx
Classification: Benign. Last evaluated: 2018-11-12. Review status: criteria provided, single submitter. Criteria: GeneDx Variant Classification Process June 2021. Collection method: clinical testing. Allele origin: germline. Affected: yes.
Comment: This variant is associated with the following publications: (PMID: 16606630)